The following is an entry in ClinVar:

ClinVar aggregate classification (germline): Uncertain significance (1 of 4 stars; one submission).

Conditions:
Rolandic epilepsy, impaired intellectual development, and speech dyspraxia, X-linked. Also called: Rolandic epilepsy, intellectual disability, and speech dyspraxia, X-linked; Rolandic epilepsy, impaired intellectual development, and speech dyspraxia. Identifiers: MedGen C1845070, MONDO:0010388, OMIM 300643.

Submission:

Labcorp Genetics (formerly Invitae), Labcorp
Classification: Uncertain significance for Rolandic epilepsy, impaired intellectual development, and speech dyspraxia, X-linked. Last evaluated: 2020-01-27. Review status: criteria provided, single submitter. Criteria: Invitae Variant Classification Sherloc (09022015). Collection method: clinical testing. Allele origin: germline.
Comment: This sequence change replaces glutamic acid with valine at codon 438 of the SRPX2 protein (p.Glu438Val). The glutamic acid residue is highly conserved and there is a moderate physicochemical difference between glutamic acid and valine. This variant is not present in population databases (ExAC no frequency). This variant has not been reported in the literature in individuals with SRPX2-related disease. Algorithms developed to predict the effect of missense changes on protein structure and function (SIFT, PolyPhen-2, Align-GVGD) all suggest that this variant is likely to be disruptive, but these predictions have not been confirmed by published functional studies and their clinical significance is uncertain. In summary, the available evidence is currently insufficient to determine the role of this variant in disease. Therefore, it has been classified as a Variant of Uncertain Significance.

NM_014467.3(SRPX2):c.1313A>T (p.Glu438Val)

Gene: SRPX2 (sushi repeat containing protein X-linked 2; plus strand). Cytogenetic location: Xq22.1.
Variant type: single nucleotide variant.
Coding change: c.1313A>T on transcript NM_014467.3 (MANE Select); coding-DNA position 1313, A replaced by T.
Protein change: p.Glu438Val; replaces glutamic acid 438 with valine.
Molecular consequence: missense variant.
Genome position (GRCh38, 1-based): chrX:100,670,902, A>T. VCF-style: chrX-100670902-A-T. GRCh37 (hg19) VCF-style: chrX-99925899-A-T.
Other names: short protein forms E438V.
Identifiers: ClinVar variation 574675 (VCV000574675.9), dbSNP rs1047926579, ClinGen allele CA333058647.